The following is an entry in ClinVar:

NM_001039348.3(EFEMP1):c.1414A>G (p.Ser472Gly)

Gene: EFEMP1 (EGF-like fibulin extracellular matrix protein 1; minus strand). Cytogenetic location: 2p16.1.
Variant type: single nucleotide variant.
Coding change: c.1414A>G on transcript NM_001039348.3 (MANE Select); coding-DNA position 1414, A replaced by G.
Protein change: p.Ser472Gly; replaces serine 472 with glycine.
Molecular consequence: missense variant.
Genome position (GRCh38, 1-based): chr2:55,867,141, T>C on the plus strand (A>G on the coding strand, the complement: EFEMP1 is on the minus strand). VCF-style: chr2-55867141-T-C. GRCh37 (hg19) VCF-style: chr2-56094276-T-C.
Other names: c.1414A>G, p.Ser472Gly (NM_001039349.3); short protein forms S472G.
Identifiers: ClinVar variation 855152 (VCV000855152.9), dbSNP rs1668606731, ClinGen allele CA347027414.

ClinVar aggregate classification (germline): Uncertain significance (1 of 4 stars; one submission).

Allele frequency attached by ClinVar (database versions not stated): TOPMed 0.00002.
gnomAD v4.1: 1 of 1,613,946 alleles (0.000062%); no homozygotes.

Submission:

Labcorp Genetics (formerly Invitae), Labcorp
Classification: Uncertain significance. Last evaluated: 2023-11-25. Review status: criteria provided, single submitter. Criteria: Invitae Variant Classification Sherloc (09022015). Collection method: clinical testing. Allele origin: germline.
Comment: This sequence change replaces serine, which is neutral and polar, with glycine, which is neutral and non-polar, at codon 472 of the EFEMP1 protein (p.Ser472Gly). This variant is not present in population databases (gnomAD no frequency). This variant has not been reported in the literature in individuals affected with EFEMP1-related conditions. ClinVar contains an entry for this variant (Variation ID: 855152). Advanced modeling of protein sequence and biophysical properties (such as structural, functional, and spatial information, amino acid conservation, physicochemical variation, residue mobility, and thermodynamic stability) performed at Invitae indicates that this missense variant is not expected to disrupt EFEMP1 protein function with a negative predictive value of 80%. Algorithms developed to predict the effect of sequence changes on RNA splicing suggest that this variant may create or strengthen a splice site. In summary, the available evidence is currently insufficient to determine the role of this variant in disease. Therefore, it has been classified as a Variant of Uncertain Significance.